The following is an entry in ClinVar:

ClinVar aggregate classification (germline): Uncertain significance. Review status: criteria provided, multiple submitters, no conflicts (2 of 4 stars). 2 submissions from 2 submitters: Uncertain significance (2). Last evaluated 2023-09-20.

Conditions:
Maturity-onset diabetes of the young type 4 (MODY4). Also called: Maturity-onset diabetes of the young, type IV; MODY, type IV. Identifiers: Orphanet 552, MedGen C1833382, MONDO:0011667, OMIM 606392.
Pancreatic agenesis 1 (PAGEN1). Also called: PANCREATIC HYPOPLASIA, CONGENITAL. Identifiers: Orphanet 2805, MedGen C3891828, MONDO:0024547, OMIM 260370.
Type 2 diabetes mellitus. Also called: Type II diabetes mellitus. Identifiers: MedGen C0011860, MeSH D003924, MONDO:0005148, OMIM 125853, HP:0005978.

Allele frequency attached by ClinVar (database versions not stated): gnomAD exomes 0.00001; ExAC 0.00008.
gnomAD v4.1: 11 of 1,548,360 alleles (0.00071%); highest among the groups gnomAD compares: Middle Eastern, 0.017%; no homozygotes.

Submissions (2):

Labcorp Genetics (formerly Invitae), Labcorp
Classification: Uncertain significance. Last evaluated: 2023-09-20. Review status: criteria provided, single submitter. Criteria: Invitae Variant Classification Sherloc (09022015). Collection method: clinical testing. Allele origin: germline.
Comment: In summary, the available evidence is currently insufficient to determine the role of this variant in disease. Therefore, it has been classified as a Variant of Uncertain Significance. Advanced modeling of protein sequence and biophysical properties (such as structural, functional, and spatial information, amino acid conservation, physicochemical variation, residue mobility, and thermodynamic stability) performed at Invitae indicates that this missense variant is not expected to disrupt PDX1 protein function. ClinVar contains an entry for this variant (Variation ID: 1415209). This variant has not been reported in the literature in individuals affected with PDX1-related conditions. This variant is present in population databases (rs767363575, gnomAD no frequency). This sequence change replaces proline, which is neutral and non-polar, with histidine, which is basic and polar, at codon 33 of the PDX1 protein (p.Pro33His).

Fulgent Genetics
Classification: Uncertain significance for Type 2 diabetes mellitus; Pancreatic agenesis 1; Maturity-onset diabetes of the young type 4. Last evaluated: 2021-10-14. Review status: criteria provided, single submitter. Criteria: ACMG Guidelines, 2015. Collection method: clinical testing. Allele origin: unknown.

NM_000209.4(PDX1):c.98C>A (p.Pro33His)

Gene: PDX1 (pancreatic and duodenal homeobox 1; plus strand). Cytogenetic location: 13q12.2.
Variant type: single nucleotide variant.
Coding change: c.98C>A on transcript NM_000209.4 (MANE Select); coding-DNA position 98, C replaced by A.
Protein change: p.Pro33His; replaces proline 33 with histidine.
Molecular consequence: missense variant.
Genome position (GRCh38, 1-based): chr13:27,920,236, C>A. VCF-style: chr13-27920236-C-A. GRCh37 (hg19) VCF-style: chr13-28494373-C-A.
Other names: short protein forms P33H.
Identifiers: ClinVar variation 1415209 (VCV001415209.9), dbSNP rs767363575, ClinGen allele CA6927581.